The following is an entry in ClinVar:

ClinVar aggregate classification (germline): Uncertain significance (1 of 4 stars; one submission).

Conditions:
Dyskeratosis congenita, autosomal dominant 6 (DKCA6). Identifiers: Orphanet 3322, MedGen C4225284, MONDO:0014690, OMIM 616553.

Submission:

Labcorp Genetics (formerly Invitae), Labcorp
Classification: Uncertain significance for Dyskeratosis congenita, autosomal dominant 6. Last evaluated: 2025-12-06. Review status: criteria provided, single submitter. Criteria: Invitae Variant Classification Sherloc (09022015). Collection method: clinical testing. Allele origin: germline.
Comment: This sequence change creates a premature translational stop signal (p.Leu95Tyrfs*8) in the ACD gene. It is expected to result in an absent or disrupted protein product. However, the current clinical and genetic evidence is not sufficient to establish whether loss-of-function variants in ACD cause disease. This variant is not present in population databases (gnomAD no frequency). This variant has not been reported in the literature in individuals affected with ACD-related conditions. In summary, the available evidence is currently insufficient to determine the role of this variant in disease. Therefore, it has been classified as a Variant of Uncertain Significance.

NM_001082486.2(ACD):c.25del (p.Leu9fs)

Gene: ACD (ACD shelterin complex subunit and telomerase recruitment factor; minus strand). Cytogenetic location: 16q22.1.
Variant type: Deletion.
Coding change: c.25del on transcript NM_001082486.2 (MANE Select); coding-DNA position 25, one base deleted (C; older notation c.25delC).
Protein change: p.Leu9fs; shifts the reading frame from leucine 9.
Molecular consequence: frameshift variant.
Genome position (GRCh38, 1-based): chr16:67,660,196, G deleted on the plus strand (C on the coding strand, the reverse complement: ACD is on the minus strand); the first of 2 consecutive G bases (chr16:67,660,196-67,660,197); deleting either gives the same sequence. VCF-style (leftmost placement, unchanged base first): chr16-67660195-AG-A. GRCh37 (hg19) VCF-style: chr16-67694098-AG-A.
Other names: c.25del, p.Leu9fs (NM_001410884.1, NM_022914.3); short protein forms L9fs.
Identifiers: ClinVar variation 4752801 (VCV004752801.1).